The following is an entry in ClinVar:

ClinVar aggregate classification (germline): Conflicting classifications of pathogenicity. Review status: criteria provided, conflicting classifications (1 of 4 stars). 2 submissions from 2 submitters: Uncertain significance (1); Likely benign (1). Last evaluated 2024-09-08.

Allele frequency attached by ClinVar (database versions not stated): TOPMed 0.00002; gnomAD exomes 0.00006; ExAC 0.00007; ESP Exome Variant Server 0.00008.

Submissions (2):

Blueprint Genetics
Classification: Likely benign. Last evaluated: 2024-09-08. Review status: criteria provided, single submitter. Criteria: ACMG Guidelines, 2015. Collection method: clinical testing. Allele origin: germline.

Labcorp Genetics (formerly Invitae), Labcorp
Classification: Uncertain significance. Last evaluated: 2024-01-22. Review status: criteria provided, single submitter. Criteria: Invitae Variant Classification Sherloc (09022015). Collection method: clinical testing. Allele origin: germline.
Comment: This sequence change falls in intron 2 of the EXOSC2 gene. It does not directly change the encoded amino acid sequence of the EXOSC2 protein. It affects a nucleotide within the consensus splice site. This variant is present in population databases (rs370483071, gnomAD 0.02%). This variant has not been reported in the literature in individuals affected with EXOSC2-related conditions. ClinVar contains an entry for this variant (Variation ID: 1409444). Variants that disrupt the consensus splice site are a relatively common cause of aberrant splicing (PMID: 17576681, 9536098). Algorithms developed to predict the effect of sequence changes on RNA splicing suggest that this variant is not likely to affect RNA splicing. In summary, the available evidence is currently insufficient to determine the role of this variant in disease. Therefore, it has been classified as a Variant of Uncertain Significance.

Literature cited by the submitters: PubMed 17576681 (cited by Labcorp Genetics (formerly Invitae), Labcorp); PubMed 9536098 (cited by Labcorp Genetics (formerly Invitae), Labcorp).

NM_014285.7(EXOSC2):c.224+3G>A

Gene: EXOSC2 (exosome component 2; plus strand). Cytogenetic location: 9q34.12.
Variant type: single nucleotide variant.
Coding change: c.224+3G>A on transcript NM_014285.7 (MANE Select); 3 bases into the intron after coding-DNA position 224, G replaced by A.
Molecular consequence: intron variant.
Genome position (GRCh38, 1-based): chr9:130,695,596, G>A. VCF-style: chr9-130695596-G-A. GRCh37 (hg19) VCF-style: chr9-133570983-G-A.
Other names: c.224+3G>A (NM_001282708.1, NM_001282709.1).
Identifiers: ClinVar variation 1409444 (VCV001409444.5), dbSNP rs370483071, ClinGen allele CA5284772.
Genomic context (GRCh38, chr9:130,695,596, plus strand): 5'-TTGCTGGCTCTGTGGAGAGAGTAAACAAGTTGATCTGTGTGAAAGCTTTGAAAACCAGGT[G>A]AGAACAAAAGGTGTGTATTCCCTTTCTTGCAGCATCAGGTTGTACAACCAGGCTTTTCCT-3'